The following is an entry in ClinVar:

NM_001171613.2(PREPL):c.1594A>G (p.Lys532Glu)

Gene: PREPL (prolyl endopeptidase like; minus strand). Cytogenetic location: 2p21.
Variant type: single nucleotide variant.
Coding change: c.1594A>G on transcript NM_001171613.2 (MANE Select); coding-DNA position 1594, A replaced by G.
Protein change: p.Lys532Glu; replaces lysine 532 with glutamic acid.
Molecular consequence: missense variant.
Genome position (GRCh38, 1-based): chr2:44,323,297, T>C on the plus strand (A>G on the coding strand, the complement: PREPL is on the minus strand). VCF-style: chr2-44323297-T-C. GRCh37 (hg19) VCF-style: chr2-44550436-T-C.
Other names: c.1675A>G, p.Lys559Glu (NM_001042385.2); c.1663A>G, p.Lys555Glu (NM_001042386.2); c.1861A>G, p.Lys621Glu (NM_001171603.1, NM_001171606.2, NM_001374275.1 and 2 more transcripts); c.1594A>G, p.Lys532Glu (NM_001171617.1, NM_001374277.1); short protein forms K559E, K621E, K532E, K555E.
Identifiers: ClinVar variation 2152382 (VCV002152382.4), dbSNP rs1673166034, ClinGen allele CA346688750.

ClinVar aggregate classification (germline): Uncertain significance (1 of 4 stars; one submission).

Conditions:
Myasthenic syndrome, congenital, 22 (CMS22). Also called: PREPL DEFICIENCY. Identifiers: MedGen C4479088, MONDO:0044299, OMIM 616224.

Allele frequency attached by ClinVar (database versions not stated): gnomAD 0.00001; TOPMed 0.00001.
gnomAD v4.1: 3 of 1,607,848 alleles (0.00019%); highest among the groups gnomAD compares: Middle Eastern, 0.016%; no homozygotes.

Submission:

Labcorp Genetics (formerly Invitae), Labcorp
Classification: Uncertain significance for Myasthenic syndrome, congenital, 22. Last evaluated: 2022-05-21. Review status: criteria provided, single submitter. Criteria: Invitae Variant Classification Sherloc (09022015). Collection method: clinical testing. Allele origin: germline.
Comment: In summary, the available evidence is currently insufficient to determine the role of this variant in disease. Therefore, it has been classified as a Variant of Uncertain Significance. Algorithms developed to predict the effect of missense changes on protein structure and function (SIFT, PolyPhen-2, Align-GVGD) all suggest that this variant is likely to be tolerated. This variant has not been reported in the literature in individuals affected with PREPL-related conditions. This variant is not present in population databases (gnomAD no frequency). This sequence change replaces lysine, which is basic and polar, with glutamic acid, which is acidic and polar, at codon 621 of the PREPL protein (p.Lys621Glu).